The following is an entry in ClinVar:

ClinVar aggregate classification (germline): Uncertain significance (1 of 4 stars; one submission).

Submission:

Labcorp Genetics (formerly Invitae), Labcorp
Classification: Uncertain significance. Last evaluated: 2025-06-17. Review status: criteria provided, single submitter. Criteria: Invitae Variant Classification Sherloc (09022015). Collection method: clinical testing. Allele origin: germline.
Comment: This sequence change replaces glycine, which is neutral and non-polar, with arginine, which is basic and polar, at codon 574 of the LZTS1 protein (p.Gly574Arg). This variant is not present in population databases (gnomAD no frequency). This variant has not been reported in the literature in individuals affected with LZTS1-related conditions. Invitae Evidence Modeling of protein sequence and biophysical properties (such as structural, functional, and spatial information, amino acid conservation, physicochemical variation, residue mobility, and thermodynamic stability) indicates that this missense variant is not expected to disrupt LZTS1 protein function with a negative predictive value of 80%. In summary, the available evidence is currently insufficient to determine the role of this variant in disease. Therefore, it has been classified as a Variant of Uncertain Significance.

NM_021020.5(LZTS1):c.1720G>C (p.Gly574Arg)

Gene: LZTS1 (leucine zipper tumor suppressor 1; minus strand). Cytogenetic location: 8p21.3.
Variant type: single nucleotide variant.
Coding change: c.1720G>C on transcript NM_021020.5 (MANE Select); coding-DNA position 1720, G replaced by C.
Protein change: p.Gly574Arg; replaces glycine 574 with arginine.
Molecular consequence: missense variant.
Genome position (GRCh38, 1-based): chr8:20,249,793, C>G on the plus strand (G>C on the coding strand, the complement: LZTS1 is on the minus strand). VCF-style: chr8-20249793-C-G. GRCh37 (hg19) VCF-style: chr8-20107304-C-G.
Other names: c.1720G>C, p.Gly574Arg (NM_001362884.2); short protein forms G574R.
Identifiers: ClinVar variation 4781857 (VCV004781857.1).